The following is an entry in ClinVar:

ClinVar aggregate classification (germline): Likely benign. Review status: criteria provided, multiple submitters, no conflicts (2 of 4 stars). 2 submissions from 2 submitters: Likely benign (2). Last evaluated 2025-11-21.

Conditions:
Autosomal recessive nonsyndromic hearing loss 66 (DFNB66). Also called: Deafness, autosomal recessive 66. Identifiers: Orphanet 90636, MedGen C1857750, MONDO:0012442, OMIM 610212.
Isolated neonatal sclerosing cholangitis (NSC). Also called: Sclerosing cholangitis, neonatal. Identifiers: Orphanet 480556, MedGen C4479344, MONDO:0018816, OMIM 617394.
DCDC2-related disorder. Also called: DCDC2-related condition.

gnomAD v4.1: 23 of 1,613,930 alleles (0.0014%); highest among the groups gnomAD compares: East Asian, 0.0067%; no homozygotes.

Submissions (2):

PreventionGenetics, part of Exact Sciences
Classification: Likely benign for DCDC2-related condition. Last evaluated: 2025-11-21. Review status: criteria provided, single submitter. Criteria: ACMG Guidelines, 2015. Collection method: clinical testing. Allele origin: germline.
Comment: This variant is classified as likely benign based on ACMG/AMP sequence variant interpretation guidelines (Richards et al. 2015 PMID: 25741868, with internal and published modifications).

Labcorp Genetics (formerly Invitae), Labcorp
Classification: Likely benign for Autosomal recessive nonsyndromic hearing loss 66; Isolated neonatal sclerosing cholangitis. Last evaluated: 2024-09-27. Review status: criteria provided, single submitter. Criteria: Invitae Variant Classification Sherloc (09022015). Collection method: clinical testing. Allele origin: germline.

NM_016356.5(DCDC2):c.414G>A (p.Pro138=)

Gene: DCDC2 (doublecortin domain containing 2; minus strand). Cytogenetic location: 6p22.3.
Variant type: single nucleotide variant.
Coding change: c.414G>A on transcript NM_016356.5 (MANE Select); coding-DNA position 414, G replaced by A.
Protein change: p.Pro138=; no amino-acid change (proline 138 retained).
Molecular consequence: synonymous variant.
Genome position (GRCh38, 1-based): chr6:24,301,979, C>T on the plus strand (G>A on the coding strand, the complement: DCDC2 is on the minus strand). VCF-style: chr6-24301979-C-T. GRCh37 (hg19) VCF-style: chr6-24302207-C-T.
Other names: c.414G>A, p.Pro138= (NM_001195610.2); c.414G>A (NM_016356.4).
Identifiers: ClinVar variation 3761053 (VCV003761053.3).